The following is an entry in ClinVar:

NM_001723.7(DST):c.5189A>G (p.Glu1730Gly)

Gene: DST (dystonin; minus strand). Cytogenetic location: 6p12.1.
Variant type: single nucleotide variant.
Coding change: c.5189A>G on transcript NM_001723.7 (MANE Plus Clinical); coding-DNA position 5189, A replaced by G.
Protein change: p.Glu1730Gly; replaces glutamic acid 1730 with glycine.
Molecular consequence: missense variant. On other transcripts: intron variant (10).
Genome position (GRCh38, 1-based): chr6:56,618,845, T>C on the plus strand (A>G on the coding strand, the complement: DST is on the minus strand). VCF-style: chr6-56618845-T-C. GRCh37 (hg19) VCF-style: chr6-56483643-T-C.
Other names: c.4831-4361A>G (NM_001144769.5); c.4930-4361A>G (NM_001374722.1, NM_001374736.1); c.4957-4361A>G (NM_001374734.1); c.4417-4361A>G (NM_001144770.2); c.4297-4361A>G (NM_001374730.1, NM_001386100.1, NM_183380.4 and 1 more transcripts); c.3319-4361A>G (NM_015548.5); short protein forms E1730G.
Identifiers: ClinVar variation 2946908 (VCV002946908.3), dbSNP rs2536688276, ClinGen allele CA364567951.

ClinVar aggregate classification (germline): Uncertain significance (1 of 4 stars; one submission).

Conditions:
Hereditary sensory and autonomic neuropathy type 6. Also called: HSAN VI; Neuropathy, hereditary sensory and autonomic, type VI. Identifiers: Orphanet 314381, MedGen C3539003, MONDO:0013839, OMIM 614653.
Epidermolysis bullosa simplex 3, localized or generalized intermediate, with BP230 deficiency (EBS3). Also called: Epidermolysis bullosa simplex due to BP230 deficiency; Epidermolysis bullosa simplex, autosomal recessive 2. Identifiers: Orphanet 412181, MedGen C3809470, MONDO:0014180, OMIM 615425.

Submission:

Labcorp Genetics (formerly Invitae), Labcorp
Classification: Uncertain significance for Epidermolysis bullosa simplex 3, localized or generalized intermediate, with BP230 deficiency; Hereditary sensory and autonomic neuropathy type 6. Last evaluated: 2023-04-19. Review status: criteria provided, single submitter. Criteria: Invitae Variant Classification Sherloc (09022015). Collection method: clinical testing. Allele origin: germline.
Comment: In summary, the available evidence is currently insufficient to determine the role of this variant in disease. Therefore, it has been classified as a Variant of Uncertain Significance. An algorithm developed to predict the effect of missense changes on protein structure and function (PolyPhen-2) suggests that this variant is likely to be disruptive. This variant has not been reported in the literature in individuals affected with DST-related conditions. This variant is not present in population databases (gnomAD no frequency). This sequence change replaces glutamic acid, which is acidic and polar, with glycine, which is neutral and non-polar, at codon 1730 of the DST protein (p.Glu1730Gly).